The following is an entry in ClinVar:

ClinVar aggregate classification (germline): Conflicting classifications of pathogenicity. Review status: criteria provided, conflicting classifications (1 of 4 stars). 11 submissions from 11 submitters: Uncertain significance (5); Benign (1); Likely benign (3). 2 of the submissions do not count toward it. Last evaluated 2026-02-01.

Conditions:
Juvenile polyposis syndrome (JPS). Identifiers: Orphanet 2929, MedGen C0345893, MONDO:0017380, OMIM 174900.
BMPR1A-related disorder. Also called: BMPR1A-related condition.
Hereditary cancer-predisposing syndrome. Also called: Tumor predisposition; Hereditary Cancer Syndrome; Neoplastic Syndromes, Hereditary; Hereditary neoplastic syndrome. Identifiers: Orphanet 140162, MedGen C0027672, MeSH D009386, MONDO:0015356.
Pulmonary arterial hypertension. Identifiers: Orphanet 182090, MedGen C2973725, MeSH D000081029, MONDO:0015924, HP:0002092.

Allele frequency attached by ClinVar (database versions not stated): gnomAD exomes 0.00001 and 0.00003; ExAC 0.00002; TOPMed 0.00011; gnomAD 0.00013 and 0.00014; 1000 Genomes Project 30x 0.00016; 1000 Genomes Project 0.00020.
gnomAD v4.1: 33 of 1,614,164 alleles (0.002%); highest among the groups gnomAD compares: African/African-American, 0.04%; no homozygotes.

Submissions (11):

Labcorp Genetics (formerly Invitae), Labcorp
Classification: Likely benign for Juvenile polyposis syndrome. Last evaluated: 2026-02-01. Review status: criteria provided, single submitter. Criteria: Invitae Variant Classification Sherloc (09022015). Collection method: clinical testing. Allele origin: germline.

GeneDx
Classification: Uncertain significance. Last evaluated: 2024-11-18. Review status: criteria provided, single submitter. Criteria: GeneDx Variant Classification Process June 2021. Collection method: clinical testing. Allele origin: germline. Affected: yes.
Comment: In silico analysis supports that this missense variant has a deleterious effect on protein structure/function; Observed in individuals with a personal or family history including breast cancer, Lynch syndrome-related cancer(s) and/or polyps or other cancers (PMID: 25186627, 25980754, 36315513, 32459922); This variant is associated with the following publications: (PMID: 25980754, 25186627, 36315513, 32459922)

Color Diagnostics, LLC DBA Color Health
Classification: Uncertain significance for Hereditary cancer-predisposing syndrome. Last evaluated: 2024-05-28. Review status: criteria provided, single submitter. Criteria: ACMG Guidelines, 2015. Collection method: clinical testing. Allele origin: germline.
Comment: This missense variant replaces valine with alanine at codon 412 of the BMPR1A protein. Computational prediction suggests that this variant may have deleterious impact on protein structure and function (internally defined REVEL score threshold >= 0.7, PMID: 27666373). To our knowledge, functional studies have not been reported for this variant. This variant has been observed in an individual affected with breast cancer (PMID: 25186627) and an individual affected with Lynch syndrome-associated cancer and/or colorectal polyps (PMID: 25980754). This variant has been identified in 12/282860 chromosomes in the general population by the Genome Aggregation Database (gnomAD). The available evidence is insufficient to determine the role of this variant in disease conclusively. Therefore, this variant is classified as a Variant of Uncertain Significance.

All of Us Research Program, National Institutes of Health
Classification: Uncertain significance for Juvenile polyposis syndrome. Last evaluated: 2024-01-11. Review status: criteria provided, single submitter. Criteria: ACMG Guidelines, 2015. Collection method: clinical testing. Allele origin: germline. Inheritance: Autosomal dominant inheritance. Observed: 7 variant alleles, 7 heterozygotes.
Comment: This missense variant replaces valine with alanine at codon 412 of the BMPR1A protein. Computational prediction suggests that this variant may have deleterious impact on protein structure and function (internally defined REVEL score threshold >= 0.7, PMID: 27666373). To our knowledge, functional studies have not been reported for this variant. This variant has been observed in an individual affected with breast cancer (PMID: 25186627) and an individual affected with Lynch syndrome associated cancer and/or colorectal polyps (PMID: 25980754). This variant has been identified in 12/282860 chromosomes in the general population by the Genome Aggregation Database (gnomAD). The available evidence is insufficient to determine the role of this variant in disease conclusively. Therefore, this variant is classified as a Variant of Uncertain Significance.

This study involves interpretation of variants in research participants for the purpose of population health screening. Participant phenotype was not available at the time of variant classification. Additional details can be found in publication PMID: 35346344, PMCID: PMC8962531

Myriad Genetics, Inc.
Classification: Likely benign for Juvenile polyposis syndrome. Last evaluated: 2023-03-02. Review status: criteria provided, single submitter. Criteria: Myriad Autosomal Dominant, Autosomal Recessive and X-Linked Classification Criteria (2023). Collection method: clinical testing. Allele origin: unknown.
Comment: This variant is considered likely benign. Homozygosity has been confirmed in one or more individuals. As homozygosity for pathogenic variants in this gene is generally assumed to result in embryonic lethality, this variant is unlikely to be pathogenic.

Ambry Genetics
Classification: Benign for Hereditary cancer-predisposing syndrome. Last evaluated: 2022-11-03. Review status: criteria provided, single submitter. Criteria: Ambry Variant Classification Scheme 2023. Collection method: clinical testing. Allele origin: germline.

Department of Pathology and Laboratory Medicine, Sinai Health System
Classification: Uncertain significance for pulmonary arterial hypertension. Last evaluated: 2022-08-18. Review status: criteria provided, single submitter. Criteria: ACMG Guidelines, 2015. Collection method: clinical testing. Allele origin: germline. Affected: yes.

Sema4
Classification: Uncertain significance for Hereditary cancer-predisposing syndrome. Last evaluated: 2022-02-07. Review status: criteria provided, single submitter. Criteria: Sema4 Curation Guidelines. Collection method: curation. Allele origin: germline.
Comment: The BMPR1A c.1235T>C (p.V412A) variant has been reported in heterozygosity in at least two individuals with breast cancer and/or bladder cancer (PMID: 25186627, 32459922). It has also been reported in one individual with Lynch syndrome-associated cancer and/or polyps (PMID: 25980754). This variant was observed in 10/24960 chromosomes in the African/African American population, according to the Genome Aggregation Database (PMID: 32461654). This variant has been reported in ClinVar (Variation ID: 216576). In silico tools suggest the impact of the variant on protein function is deleterious, though these predictions have not been confirmed by functional studies. The evidence is insufficient to meet ACMG/AMP criteria for classifying the variant as benign or pathogenic. Thus, the clinical significance of this variant is currently uncertain.

Women's Health and Genetics/Laboratory Corporation of America, LabCorp
Classification: Likely benign. Last evaluated: 2017-06-09. Review status: criteria provided, single submitter. Criteria: LabCorp Variant Classification Summary - May 2015. Collection method: clinical testing. Allele origin: germline.
Comment: Variant summary: The c.1235T>C (p.Val412Ala) in BPMR1A gene is a missense change that involves a highly conserved nucleotide and 5/5 in silico tools predict deleterious outcome. The variant of interest is located within the catalytic domain of the serine/threonine kinase, although the functional impact of this missense change is yet to be studied. The variant is present at a low frequency in large control population datasets of ExAC and gnomAD (0.000027; 3/121412 chrs tested and 0.00004; 12/277214 chrs tested, respectively) predominantly in individuals of African ancestry at frequencies that exceed the estimated maximal expected allele frequency of a pathogenic variant (0.000002). The variant has been reported in at least two affected individual (LS, BrC) via published reports and cited as VUS by a reputable database/diagnostic laboratory. Taken together, the variant was classified as Likely Benign until more data becomes available.

PreventionGenetics, part of Exact Sciences
Classification: Uncertain significance for BMPR1A-related condition. Last evaluated: 2024-09-28. Review status: no assertion criteria provided. Collection method: clinical testing. Allele origin: germline. Not counted in ClinVar's aggregate classification.
Comment: The BMPR1A c.1235T>C variant is predicted to result in the amino acid substitution p.Val412Ala. This variant has been reported in individuals with a history of breast cancer and suspected Lynch syndrome (Tung et al. 2015. PubMed ID: 25186627; Yurgelun et al. 2015. PubMed ID: 25980754). This variant is reported in 0.040% of alleles in individuals of African descent in gnomAD and has conflicting interpretations regarding its pathogenicity in ClinVar, ranging from likely benign to a variant of uncertain significance. Although we suspect that this variant may be benign, at this time, the clinical significance of this variant is uncertain due to the absence of conclusive functional and genetic evidence.

Counsyl
Classification: Uncertain significance for Juvenile polyposis syndrome. Last evaluated: 2016-01-24. Review status: no assertion criteria provided. Collection method: clinical testing. Allele origin: unknown. Not counted in ClinVar's aggregate classification.

Literature cited by the submitters: PubMed 25186627 (cited by 7 submitters); PubMed 25980754 (cited by 6 submitters); PubMed 32459922 (cited by Sema4).

NM_004329.3(BMPR1A):c.1235T>C (p.Val412Ala)

Gene: BMPR1A (bone morphogenetic protein receptor type 1A; plus strand). Cytogenetic location: 10q23.2.
Variant type: single nucleotide variant.
Coding change: c.1235T>C on transcript NM_004329.3 (MANE Select); coding-DNA position 1235, T replaced by C.
Protein change: p.Val412Ala; replaces valine 412 with alanine.
Molecular consequence: missense variant.
Genome position (GRCh38, 1-based): chr10:86,921,588, T>C. VCF-style: chr10-86921588-T-C. GRCh37 (hg19) VCF-style: chr10-88681345-T-C.
Other names: short protein forms V412A.
Identifiers: ClinVar variation 216576 (VCV000216576.40), dbSNP rs576247658, ClinGen allele CA338403.
Genomic context (GRCh38, chr10:86,921,588, plus strand): 5'-ATGAAGTTGATGTGCCCTTGAATACCAGGGTGGGCACCAAACGCTACATGGCTCCCGAAG[T>C]GCTGGACGAAAGCCTGAACAAAAACCACTTCCAGCCCTACATCATGGCTGACATCTACAG-3'
Protein context (NP_004320.2, residues 402-422): VGTKRYMAPE[Val412Ala]LDESLNKNHF